The following is an entry in ClinVar:

NM_000435.3(NOTCH3):c.2425C>G (p.Gln809Glu)

Gene: NOTCH3 (notch receptor 3; minus strand). Cytogenetic location: 19p13.12.
Variant type: single nucleotide variant.
Coding change: c.2425C>G on transcript NM_000435.3 (MANE Select); coding-DNA position 2425, C replaced by G.
Protein change: p.Gln809Glu; replaces glutamine 809 with glutamic acid.
Molecular consequence: missense variant.
Genome position (GRCh38, 1-based): chr19:15,184,436, G>C on the plus strand (C>G on the coding strand, the complement: NOTCH3 is on the minus strand). VCF-style: chr19-15184436-G-C. GRCh37 (hg19) VCF-style: chr19-15295247-G-C.
Other names: p.Gln809Glu; short protein forms Q809E.
Identifiers: ClinVar variation 4542321 (VCV004542321.1).

ClinVar aggregate classification (germline): Uncertain significance (1 of 4 stars; one submission).

gnomAD v4.1: 1 of 1,613,834 alleles (0.000062%); highest among the groups gnomAD compares: Non-Finnish European, 0.000085%; no homozygotes.

Submission:

Mayo Clinic Laboratories, Mayo Clinic
Classification: Uncertain significance. Last evaluated: 2025-10-17. Review status: criteria provided, single submitter. Criteria: ACMG Guidelines, 2015. Collection method: clinical testing. Allele origin: germline. Observed: 1 variant allele.
Comment: BP1, BP4, PM2_supporting